The following is an entry in ClinVar:

ClinVar aggregate classification (germline): Conflicting classifications of pathogenicity. Review status: criteria provided, conflicting classifications (1 of 4 stars). 8 submissions from 8 submitters: Uncertain significance (1); Benign (1); Likely benign (5). 1 of the submissions does not count toward it. Last evaluated 2026-01-26.

Conditions:
Inborn genetic diseases. Identifiers: MedGen C0950123, MeSH D030342.
CC2D2A-related disorder. Also called: CC2D2A-related disorders; CC2D2A-related condition. Identifiers: MedGen CN239313.
Meckel-Gruber syndrome. Also called: DYSENCEPHALIA SPLANCHNOCYSTICA; GRUBER SYNDROME; Dysencephalia splachnocystica. Identifiers: Orphanet 564, MedGen C0265215, MONDO:0018921.
Joubert syndrome. Also called: Familial aplasia of the vermis; JOUBERT-BOLTSHAUSER SYNDROME. Identifiers: Orphanet 475, MedGen C5979921, MONDO:0018772.

Allele frequency attached by ClinVar (database versions not stated): gnomAD exomes 0.00019 and 0.00039; ExAC 0.00093; ESP Exome Variant Server 0.00139; gnomAD 0.00152 and 0.00159; TOPMed 0.00187; 1000 Genomes Project 30x 0.00203; 1000 Genomes Project 0.00240.
gnomAD v4.1: 521 of 1,596,822 alleles (0.033%); highest among the groups gnomAD compares: African/African-American, 0.61%; 1 homozygote.

Submissions (8):

Labcorp Genetics (formerly Invitae), Labcorp
Classification: Likely benign for Joubert syndrome; Meckel-Gruber syndrome. Last evaluated: 2026-01-26. Review status: criteria provided, single submitter. Criteria: Invitae Variant Classification Sherloc (09022015). Collection method: clinical testing. Allele origin: germline.

Mayo Clinic Laboratories, Mayo Clinic
Classification: Likely benign. Last evaluated: 2025-10-01. Review status: criteria provided, single submitter. Criteria: ACMG Guidelines, 2015. Collection method: clinical testing. Allele origin: germline. Observed: 3 variant alleles.
Comment: BS1, BP4

Ambry Genetics
Classification: Likely benign for Inborn genetic diseases. Last evaluated: 2024-12-11. Review status: criteria provided, single submitter. Criteria: Ambry Variant Classification Scheme 2023. Collection method: clinical testing. Allele origin: germline.

Blueprint Genetics
Classification: Likely benign. Last evaluated: 2023-06-01. Review status: criteria provided, single submitter. Criteria: ACMG Guidelines, 2015. Collection method: clinical testing. Allele origin: germline.

GeneDx
Classification: Likely benign. Last evaluated: 2021-05-18. Review status: criteria provided, single submitter. Criteria: GeneDx Variant Classification Process June 2021. Collection method: clinical testing. Allele origin: germline. Affected: yes.

Eurofins Ntd Llc (ga)
Classification: Benign. Last evaluated: 2015-05-14. Review status: criteria provided, single submitter. Criteria: EGL Classification Definitions 2015. Collection method: clinical testing. Allele origin: germline. Observed: 1 variant allele, 1 heterozygote.

Genetic Services Laboratory, University of Chicago
Classification: Uncertain significance. Last evaluated: 2014-05-01. Review status: criteria provided, single submitter. Criteria: ACMG Guidelines, 2007. Collection method: clinical testing. Allele origin: germline.

PreventionGenetics, part of Exact Sciences
Classification: Likely benign for CC2D2A-related condition. Last evaluated: 2019-08-30. Review status: no assertion criteria provided. Collection method: clinical testing. Allele origin: germline. Not counted in ClinVar's aggregate classification.
Comment: This variant is classified as likely benign based on ACMG/AMP sequence variant interpretation guidelines (Richards et al. 2015 PMID: 25741868, with internal and published modifications).

NM_001378615.1(CC2D2A):c.2050T>A (p.Leu684Ile)

Genes: CC2D2A (coiled-coil and C2 domain containing 2A; plus strand), FBXL5 (F-box and leucine rich repeat protein 5; minus strand). Cytogenetic location: 4p15.32.
Variant type: single nucleotide variant.
Coding change: c.2050T>A on transcript NM_001378615.1 (MANE Select); coding-DNA position 2050, T replaced by A.
Protein change: p.Leu684Ile; replaces leucine 684 with isoleucine.
Molecular consequence: missense variant.
Genome position (GRCh38, 1-based): chr4:15,540,883, T>A. VCF-style: chr4-15540883-T-A. GRCh37 (hg19) VCF-style: chr4-15542506-T-A.
Other names: c.2050T>A, p.Leu684Ile (NM_001080522.2); c.1903T>A, p.Leu635Ile (NM_001378617.1); short protein forms L684I, L635I.
Identifiers: ClinVar variation 194819 (VCV000194819.29), dbSNP rs190698163, ClinGen allele CA201370.
Genomic context (GRCh38, chr4:15,540,883, plus strand): 5'-GTCTCCTTTTGCAGAGCGGAGGTCTCGAGAAGGGAGGATGTAAAGAAGCGCTCAGTGTAC[T>A]TAAAAGTGCTGTTCAACAACAAGGAGGTGTCCAGGACAGTCAGTCGGCCACTAGGAGCAG-3'
Protein context (NP_001365544.1, residues 674-694): REDVKKRSVY[Leu684Ile]KVLFNNKEVS